The following is an entry in ClinVar:

NM_007374.3(SIX6):c.473A>C (p.Lys158Thr)

Genes: C14orf39 (chromosome 14 open reading frame 39; minus strand), SIX6 (SIX homeobox 6; plus strand). Cytogenetic location: 14q23.1.
Variant type: single nucleotide variant.
Coding change: c.473A>C on transcript NM_007374.3 (MANE Select); coding-DNA position 473, A replaced by C.
Protein change: p.Lys158Thr; replaces lysine 158 with threonine.
Molecular consequence: missense variant.
Genome position (GRCh38, 1-based): chr14:60,509,871, A>C. VCF-style: chr14-60509871-A-C. GRCh37 (hg19) VCF-style: chr14-60976589-A-C.
Other names: short protein forms K158T.
Identifiers: ClinVar variation 1492575 (VCV001492575.31), dbSNP rs749617848, ClinGen allele CA7212596.

ClinVar aggregate classification (germline): Conflicting classifications of pathogenicity. Review status: criteria provided, conflicting classifications (1 of 4 stars). 2 submissions from 2 submitters: Likely pathogenic (1); Uncertain significance (1). Last evaluated 2024-02-01.

Allele frequency attached by ClinVar (database versions not stated): TOPMed below 0.00001; gnomAD exomes 0.00007 and 0.00019; gnomAD 0.00011 and 0.00013; ExAC 0.00019.
gnomAD v4.1: 123 of 1,613,488 alleles (0.0076%); highest among the groups gnomAD compares: Non-Finnish European, 0.00085%; no homozygotes.

Submissions (2):

CeGaT Center for Human Genetics Tuebingen
Classification: Likely pathogenic. Last evaluated: 2024-02-01. Review status: criteria provided, single submitter. Criteria: CeGaT Center For Human Genetics Tuebingen Variant Classification Criteria Version 2. Collection method: clinical testing. Allele origin: germline. Affected: yes. Observed: 2 variant alleles.
Comment: SIX6: PM3:Strong, PM2, PP3, PP4

Labcorp Genetics (formerly Invitae), Labcorp
Classification: Uncertain significance. Last evaluated: 2022-06-05. Review status: criteria provided, single submitter. Criteria: Invitae Variant Classification Sherloc (09022015). Collection method: clinical testing. Allele origin: germline.
Comment: This sequence change replaces lysine, which is basic and polar, with threonine, which is neutral and polar, at codon 158 of the SIX6 protein (p.Lys158Thr). This variant is present in population databases (rs749617848, gnomAD 0.2%). This variant has not been reported in the literature in individuals affected with SIX6-related conditions. ClinVar contains an entry for this variant (Variation ID: 1492575). Algorithms developed to predict the effect of missense changes on protein structure and function are either unavailable or do not agree on the potential impact of this missense change (SIFT: "Deleterious"; PolyPhen-2: "Probably Damaging"; Align-GVGD: "Class C0"). In summary, the available evidence is currently insufficient to determine the role of this variant in disease. Therefore, it has been classified as a Variant of Uncertain Significance.